The following is an entry in ClinVar:

ClinVar aggregate classification (germline): Uncertain significance (1 of 4 stars; one submission).

Conditions:
Developmental and epileptic encephalopathy, 54. Also called: Epileptic encephalopathy, early infantile, 54; HNRNPU-Related Neurodevelopmental Disorder. Identifiers: MedGen C4479319, MONDO:0033363, OMIM 617391.

Submission:

Labcorp Genetics (formerly Invitae), Labcorp
Classification: Uncertain significance for Developmental and epileptic encephalopathy, 54. Last evaluated: 2024-03-28. Review status: criteria provided, single submitter. Criteria: Invitae Variant Classification Sherloc (09022015). Collection method: clinical testing. Allele origin: germline.
Comment: This sequence change replaces glutamine, which is neutral and polar, with proline, which is neutral and non-polar, at codon 164 of the HNRNPU protein (p.Gln164Pro). This variant is not present in population databases (gnomAD no frequency). This variant has not been reported in the literature in individuals affected with HNRNPU-related conditions. An algorithm developed to predict the effect of missense changes on protein structure and function (PolyPhen-2) suggests that this variant is likely to be tolerated. In summary, the available evidence is currently insufficient to determine the role of this variant in disease. Therefore, it has been classified as a Variant of Uncertain Significance.

NM_031844.3(HNRNPU):c.491A>C (p.Gln164Pro)

Gene: HNRNPU (heterogeneous nuclear ribonucleoprotein U; minus strand). Cytogenetic location: 1q44.
Variant type: single nucleotide variant.
Coding change: c.491A>C on transcript NM_031844.3 (MANE Select); coding-DNA position 491, A replaced by C.
Protein change: p.Gln164Pro; replaces glutamine 164 with proline.
Molecular consequence: missense variant.
Genome position (GRCh38, 1-based): chr1:244,863,817, T>G on the plus strand (A>C on the coding strand, the complement: HNRNPU is on the minus strand). VCF-style: chr1-244863817-T-G. GRCh37 (hg19) VCF-style: chr1-245027119-T-G.
Other names: c.491A>C, p.Gln164Pro (NM_004501.3); short protein forms Q164P.
Identifiers: ClinVar variation 3647965 (VCV003647965.2).